The following is an entry in ClinVar:

ClinVar aggregate classification (germline): Benign/Likely benign. Review status: criteria provided, multiple submitters, no conflicts (2 of 4 stars). 3 submissions from 3 submitters: Benign (2); Likely benign (1). Last evaluated 2026-05-01.

Allele frequency attached by ClinVar (database versions not stated): TOPMed 0.00429; ESP Exome Variant Server 0.00469; gnomAD exomes 0.00043 and 0.00107; ExAC 0.00124; 1000 Genomes Project 30x 0.00375; gnomAD 0.00402; 1000 Genomes Project 0.00419.
gnomAD v4.1: 1,283 of 1,613,894 alleles (0.079%); highest among the groups gnomAD compares: African/African-American, 1.5%; 6 homozygotes.

Submissions (3):

CeGaT Center for Human Genetics Tuebingen
Classification: Likely benign. Last evaluated: 2026-05-01. Review status: criteria provided, single submitter. Criteria: CeGaT Center For Human Genetics Tuebingen Variant Classification Criteria Version 2. Collection method: clinical testing. Allele origin: germline. Affected: yes. Observed: 1 variant allele.
Comment: TRAP1: PM4, BS1

Labcorp Genetics (formerly Invitae), Labcorp
Classification: Benign. Last evaluated: 2026-01-23. Review status: criteria provided, single submitter. Criteria: Invitae Variant Classification Sherloc (09022015). Collection method: clinical testing. Allele origin: germline.

Breakthrough Genomics
Classification: Benign. Review status: criteria provided, single submitter. Criteria: ACMG Guidelines, 2015. Collection method: not provided. Allele origin: germline. Inheritance: Unknown mechanism. Affected: yes.

NM_016292.3(TRAP1):c.2115A>C (p.Ter705Cys)

Genes: DNASE1 (deoxyribonuclease 1; plus strand), TRAP1 (TNF receptor associated protein 1; minus strand). Cytogenetic location: 16p13.3.
Variant type: single nucleotide variant.
Coding change: c.2115A>C on transcript NM_016292.3 (MANE Select); coding-DNA position 2115, A replaced by C.
Protein change: p.Ter705Cys.
Molecular consequence: stop lost.
Genome position (GRCh38, 1-based): chr16:3,658,129, T>G on the plus strand (A>C on the coding strand, the complement: TRAP1 is on the minus strand). VCF-style: chr16-3658129-T-G. GRCh37 (hg19) VCF-style: chr16-3708130-T-G.
Other names: *705C; *652C; c.1956A>C, p.Ter652Cys (NM_001272049.2).
Identifiers: ClinVar variation 720753 (VCV000720753.12), dbSNP rs140188034, ClinGen allele CA7867602.
Genomic context (GRCh38, chr16:3,658,129, plus strand): 5'-ATAAAGCTCAAGGAGGTGGGGCTGTCATCTGTGGTGTCAGTCCTTCTGGCCCCCTGGCTG[T>G]CAGTGTCGCTCCAGGGCCTTGACAAGCAGCTCATTCAAGCGGCCCACCATGGCCCTAGGG-3'